The following is an entry in ClinVar:

ClinVar aggregate classification (germline): Likely benign (1 of 4 stars; one submission).

Submission:

Mayo Clinic Laboratories, Mayo Clinic
Classification: Likely benign. Last evaluated: 2025-04-02. Review status: criteria provided, single submitter. Criteria: ACMG Guidelines, 2015. Collection method: clinical testing. Allele origin: germline. Observed: 1 variant allele.
Comment: BP4, BP7, PM2_supporting

NM_138272.3(MPIG6B):c.93G>C (p.Val31=)

Gene: MPIG6B (megakaryocyte and platelet inhibitory receptor G6b; plus strand). Cytogenetic location: 6p21.33.
Variant type: single nucleotide variant.
Coding change: c.93G>C on transcript NM_138272.3 (MANE Select); coding-DNA position 93, G replaced by C.
Protein change: p.Val31=; no amino-acid change (valine 31 retained).
Molecular consequence: synonymous variant.
Genome position (GRCh38, 1-based): chr6:31,723,670, G>C. VCF-style: chr6-31723670-G-C. GRCh37 (hg19) VCF-style: chr6-31691447-G-C.
Other names: p.Val31=; c.93G>C, p.Val31= (NM_025260.4, NM_138273.3, NM_138274.3 and 2 more transcripts).
Identifiers: ClinVar variation 4684916 (VCV004684916.1).